The following is an entry in ClinVar:

NM_003743.5(NCOA1):c.4141G>A (p.Ala1381Thr)

Gene: NCOA1 (nuclear receptor coactivator 1; plus strand). Cytogenetic location: 2p23.3.
Variant type: single nucleotide variant.
Coding change: c.4141G>A on transcript NM_003743.5 (MANE Select); coding-DNA position 4141, G replaced by A.
Protein change: p.Ala1381Thr; replaces alanine 1381 with threonine.
Molecular consequence: missense variant.
Genome position (GRCh38, 1-based): chr2:24,762,762, G>A. VCF-style: chr2-24762762-G-A. GRCh37 (hg19) VCF-style: chr2-24985631-G-A.
Other names: c.4141G>A, p.Ala1381Thr (NM_001362950.1, NM_001362952.1, NM_001362954.1 and 3 more transcripts); short protein forms A1381T.
Identifiers: ClinVar variation 2632134 (VCV002632134.3), dbSNP rs151286421, ClinGen allele CA1552817.
Genomic context (GRCh38, chr2:24,762,762, plus strand): 5'-CTGAGACACACAGGCCTCTACTGCAACCAGCTCTCATCCACTGACCTTCTCAAAACAGAA[G>A]CAGATGGAACCCAGGTCAGTAAGGAAATTCTAAGCCCAGAGCTGTCAAATGTACTCTAGA-3'
Protein context (NP_003734.3, residues 1371-1391): LSSTDLLKTE[Ala1381Thr]DGTQQVQQVQ

ClinVar aggregate classification (germline): Uncertain significance (0 of 4 stars; one submission).

Conditions:
NCOA1-related disorder. Also called: NCOA1-related condition.

Allele frequency attached by ClinVar (database versions not stated): gnomAD exomes below 0.00001; ExAC 0.00002; gnomAD 0.00002; TOPMed 0.00002; ESP Exome Variant Server 0.00008.
gnomAD v4.1: 5 of 1,613,796 alleles (0.00031%); highest among the groups gnomAD compares: African/African-American, 0.0067%; no homozygotes.

Submission:

PreventionGenetics, part of Exact Sciences
Classification: Uncertain significance for NCOA1-related condition. Last evaluated: 2024-09-11. Review status: no assertion criteria provided. Collection method: clinical testing. Allele origin: germline.
Comment: The NCOA1 c.4141G>A variant is predicted to result in the amino acid substitution p.Ala1381Thr. To our knowledge, this variant has not been reported in the literature. This variant is reported in 0.020% of alleles in individuals of African descent in gnomAD. At this time, the clinical significance of this variant is uncertain due to the absence of conclusive functional and genetic evidence.